The following is an entry in ClinVar:

NM_001379286.1(ZNF423):c.2142C>A (p.Asp714Glu)

Gene: ZNF423 (zinc finger protein 423; minus strand). Cytogenetic location: 16q12.1.
Variant type: single nucleotide variant.
Coding change: c.2142C>A on transcript NM_001379286.1 (MANE Select); coding-DNA position 2142, C replaced by A.
Protein change: p.Asp714Glu; replaces aspartic acid 714 with glutamic acid.
Molecular consequence: missense variant.
Genome position (GRCh38, 1-based): chr16:49,637,034, G>T on the plus strand (C>A on the coding strand, the complement: ZNF423 is on the minus strand). VCF-style: chr16-49637034-G-T. GRCh37 (hg19) VCF-style: chr16-49670945-G-T.
Other names: c.1938C>A, p.Asp646Glu (NM_001271620.2); c.1767C>A, p.Asp589Glu (NM_001330533.2); c.2118C>A, p.Asp706Glu (NM_015069.5); short protein forms D646E, D706E, D589E, D714E.
Identifiers: ClinVar variation 2147434 (VCV002147434.6), dbSNP rs1281976728, ClinGen allele CA395844021.
Genomic context (GRCh38, chr16:49,637,034, plus strand): 5'-CTGACACAGGGTGCAGTGGTACAACACAAAGGTGTGCATGTCCAGCAGGTGCTTCTGCAG[G>T]TCATCCACCGAGGAAAATTGCTTGTCGCAGCTCTCGCACACATAGTGGGTCGACGTGGTC-3'
Protein context (NP_001366215.1, residues 704-724): SCDKQFSSVD[Asp714Glu]LQKHLLDMHT

ClinVar aggregate classification (germline): Uncertain significance. Review status: criteria provided, multiple submitters, no conflicts (2 of 4 stars). 2 submissions from 2 submitters: Uncertain significance (2). Last evaluated 2026-06-01.

Conditions:
Nephronophthisis 14 (NPHP14). Identifiers: Orphanet 2318, MedGen C3539071, MONDO:0013916, OMIM 614844.

Allele frequency attached by ClinVar (database versions not stated): TOPMed below 0.00001; gnomAD 0.00001; gnomAD exomes 0.00002.
gnomAD v4.1: 28 of 1,613,830 alleles (0.0017%); highest among the groups gnomAD compares: South Asian, 0.0022%; no homozygotes.

Submissions (2):

CeGaT Center for Human Genetics Tuebingen
Classification: Uncertain significance. Last evaluated: 2026-06-01. Review status: criteria provided, single submitter. Criteria: CeGaT Center For Human Genetics Tuebingen Variant Classification Criteria Version 2. Collection method: clinical testing. Allele origin: germline. Affected: yes. Observed: 1 variant allele.
Comment: ZNF423: PP2

Labcorp Genetics (formerly Invitae), Labcorp
Classification: Uncertain significance for Nephronophthisis 14. Last evaluated: 2022-08-15. Review status: criteria provided, single submitter. Criteria: Invitae Variant Classification Sherloc (09022015). Collection method: clinical testing. Allele origin: germline.
Comment: This sequence change replaces aspartic acid, which is acidic and polar, with glutamic acid, which is acidic and polar, at codon 706 of the ZNF423 protein (p.Asp706Glu). This variant is present in population databases (no rsID available, gnomAD 0.007%). This variant has not been reported in the literature in individuals affected with ZNF423-related conditions. Algorithms developed to predict the effect of missense changes on protein structure and function (SIFT, PolyPhen-2, Align-GVGD) all suggest that this variant is likely to be tolerated. In summary, the available evidence is currently insufficient to determine the role of this variant in disease. Therefore, it has been classified as a Variant of Uncertain Significance.